The following is an entry in ClinVar:

NM_007294.4(BRCA1):c.4276del (p.Ser1426fs)

Gene: BRCA1 (BRCA1 DNA repair associated; minus strand). Cytogenetic location: 17q21.31.
Variant type: Deletion.
Coding change: c.4276del on transcript NM_007294.4 (MANE Select); coding-DNA position 4276, one base deleted (T; older notation c.4276delT).
Protein change: p.Ser1426fs; shifts the reading frame from serine 1426.
Molecular consequence: frameshift variant. On other transcripts: non-coding transcript variant (1).
Genome position (GRCh38, 1-based): chr17:43,082,485, A deleted on the plus strand (T on the coding strand, the reverse complement: BRCA1 is on the minus strand); the first of 2 consecutive A bases (chr17:43,082,485-43,082,486); deleting either gives the same sequence. VCF-style (leftmost placement, unchanged base first): chr17-43082484-GA-G. GRCh37 (hg19) VCF-style: chr17-41234501-GA-G.
Other names: c.4062delT, p.Ser1355Leufs (NM_001407571.1, NM_001407853.1, NM_001407894.1 and 12 more transcripts); c.4275delT, p.Ser1426Leufs (NM_001407581.1, NM_001407582.1, NM_001407583.1 and 23 more transcripts); c.4272delT, p.Ser1425Leufs (NM_001407587.1, NM_001407590.1, NM_001407591.1 and 21 more transcripts); c.4269delT, p.Ser1424Leufs (NM_001407627.1, NM_001407628.1, NM_001407629.1 and 5 more transcripts); c.4263delT, p.Ser1422Leufs (NM_001407646.1, NM_001407647.1); c.4152delT, p.Ser1385Leufs (NM_001407648.1, NM_001407664.1, NM_001407665.1 and 13 more transcripts); c.4149delT, p.Ser1384Leufs (NM_001407649.1, NM_001407670.1, NM_001407671.1 and 12 more transcripts); c.4197delT, p.Ser1400Leufs (NM_001407653.1, NM_001407654.1, NM_001407655.1 and 2 more transcripts); and 54 more; short protein forms S1379fs, S1426fs, S323fs.
Identifiers: ClinVar variation 961620 (VCV000961620.9), dbSNP rs2053054217, ClinGen allele CA1139665595.

ClinVar aggregate classification (germline): Pathogenic (1 of 4 stars; one submission).

Conditions:
Hereditary breast ovarian cancer syndrome. Also called: BRCA1- and BRCA2-Associated Hereditary Breast and Ovarian Cancer; Hereditary breast and ovarian cancer; Hereditary breast and/or ovarian cancer syndrome; Hereditary breast and ovarian cancer syndrome; Hereditary breast and ovarian cancer syndrome (HBOC); Breast and ovarian cancer. Identifiers: Orphanet 145, MedGen C0677776, MeSH D061325, MONDO:0003582. Disease mechanism: loss of function.

Submission:

Labcorp Genetics (formerly Invitae), Labcorp
Classification: Pathogenic for Hereditary breast ovarian cancer syndrome. Last evaluated: 2022-02-25. Review status: criteria provided, single submitter. Criteria: Invitae Variant Classification Sherloc (09022015). Collection method: clinical testing. Allele origin: germline.
Comment: ClinVar contains an entry for this variant (Variation ID: 961620). For these reasons, this variant has been classified as Pathogenic. This variant has not been reported in the literature in individuals affected with BRCA1-related conditions. This variant is not present in population databases (gnomAD no frequency). This sequence change creates a premature translational stop signal (p.Ser1426Leufs*8) in the BRCA1 gene. It is expected to result in an absent or disrupted protein product. Loss-of-function variants in BRCA1 are known to be pathogenic (PMID: 20104584).

Literature cited by the submitters: PubMed 20104584.